The following is an entry in ClinVar:

ClinVar aggregate classification (germline): Likely pathogenic (0 of 4 stars; one submission).

Conditions:
TRIO-related disorder. Also called: TRIO-related condition; TRIO-related disorders.

Submission:

PreventionGenetics, part of Exact Sciences
Classification: Likely pathogenic for TRIO-related condition. Last evaluated: 2024-09-27. Review status: no assertion criteria provided. Collection method: clinical testing. Allele origin: germline.
Comment: The TRIO c.3331+2T>C variant is predicted to disrupt the GT donor site and interfere with normal splicing. To our knowledge, this variant has not been reported in the literature or in a large population database, indicating this variant is rare. Variants that disrupt the consensus splice donor site in TRIO are expected to be pathogenic. This variant is interpreted as likely pathogenic.

NM_007118.4(TRIO):c.3331+2T>C

Gene: TRIO (trio Rho guanine nucleotide exchange factor; plus strand). Cytogenetic location: 5p15.2.
Variant type: single nucleotide variant.
Coding change: c.3331+2T>C on transcript NM_007118.4 (MANE Select); the canonical splice donor site of the intron after coding-DNA position 3331, T replaced by C.
Molecular consequence: splice donor variant.
Genome position (GRCh38, 1-based): chr5:14,374,345, T>C. VCF-style: chr5-14374345-T-C. GRCh37 (hg19) VCF-style: chr5-14374454-T-C.
Identifiers: ClinVar variation 3353642 (VCV003353642.1).